The following is an entry in ClinVar:

ClinVar aggregate classification (germline): Uncertain significance (1 of 4 stars; one submission).

Allele frequency attached by ClinVar (database versions not stated): gnomAD exomes below 0.00001; gnomAD 0.00001 and 0.00015; TOPMed 0.00019.

Submission:

Labcorp Genetics (formerly Invitae), Labcorp
Classification: Uncertain significance. Last evaluated: 2021-11-12. Review status: criteria provided, single submitter. Criteria: Invitae Variant Classification Sherloc (09022015). Collection method: clinical testing. Allele origin: germline.
Comment: This sequence change falls in intron 4 of the CA2 gene. It does not directly change the encoded amino acid sequence of the CA2 protein. It affects a nucleotide within the consensus splice site. This variant is not present in population databases (gnomAD no frequency). This variant has not been reported in the literature in individuals affected with CA2-related conditions. Variants that disrupt the consensus splice site are a relatively common cause of aberrant splicing (PMID: 17576681, 9536098). Algorithms developed to predict the effect of sequence changes on RNA splicing suggest that this variant is not likely to affect RNA splicing. In summary, the available evidence is currently insufficient to determine the role of this variant in disease. Therefore, it has been classified as a Variant of Uncertain Significance.

Literature cited by the submitters: PubMed 17576681; PubMed 9536098.

NM_000067.3(CA2):c.444+3T>G

Gene: CA2 (carbonic anhydrase 2; plus strand). Cytogenetic location: 8q21.2.
Variant type: single nucleotide variant.
Coding change: c.444+3T>G on transcript NM_000067.3 (MANE Select); 3 bases into the intron after coding-DNA position 444, T replaced by G.
Molecular consequence: intron variant.
Genome position (GRCh38, 1-based): chr8:85,474,419, T>G. VCF-style: chr8-85474419-T-G. GRCh37 (hg19) VCF-style: chr8-86386648-T-G.
Other names: c.141+3T>G (NM_001293675.2).
Identifiers: ClinVar variation 1512128 (VCV001512128.3), dbSNP rs935397424, ClinGen allele CA180255079.